The following is an entry in ClinVar:

ClinVar aggregate classification (germline): Uncertain significance. Review status: criteria provided, multiple submitters, no conflicts (2 of 4 stars). 2 submissions from 2 submitters: Uncertain significance (2). Last evaluated 2024-05-07.

Conditions:
Wolfram-like syndrome. Also called: HEARING LOSS, PROGRESSIVE, WITH OPTIC ATROPHY AND/OR IMPAIRED GLUCOSE REGULATION. Identifiers: Orphanet 411590, MedGen C3280358, MONDO:0013673, OMIM 614296.
Cataract 41 (CTRCT41). Also called: CATARACT 41, CONGENITAL NUCLEAR TYPE. Identifiers: Orphanet 91492, Orphanet 98991, Orphanet 98992, Orphanet 98995, MedGen C3805412, MONDO:0007287, OMIM 116400.
Autosomal dominant nonsyndromic hearing loss 6 (LFSNHL). Also called: DEAFNESS, AUTOSOMAL DOMINANT 6; DEAFNESS, AUTOSOMAL DOMINANT 14; DEAFNESS, AUTOSOMAL DOMINANT 38; Autosomal dominant nonsyndromic deafness 6. Identifiers: Orphanet 90635, MedGen C1833021, MONDO:0010963, OMIM 600965.
Type 2 diabetes mellitus. Also called: Type II diabetes mellitus. Identifiers: MedGen C0011860, MeSH D003924, MONDO:0005148, OMIM 125853, HP:0005978.
Wolfram syndrome 1 (WFS1). Identifiers: Orphanet 3463, MedGen C4551693, MONDO:0009101, OMIM 222300.

Submissions (2):

Fulgent Genetics
Classification: Uncertain significance for Cataract 41; Type 2 diabetes mellitus; Wolfram syndrome 1; Autosomal dominant nonsyndromic hearing loss 6; Wolfram-like syndrome. Last evaluated: 2024-05-07. Review status: criteria provided, single submitter. Criteria: ACMG Guidelines, 2015. Collection method: clinical testing. Allele origin: germline.

Labcorp Genetics (formerly Invitae), Labcorp
Classification: Uncertain significance. Last evaluated: 2024-02-27. Review status: criteria provided, single submitter. Criteria: Invitae Variant Classification Sherloc (09022015). Collection method: clinical testing. Allele origin: germline.
Comment: This variant, c.153_158dup, results in the insertion of 2 amino acid(s) of the WFS1 protein (p.Pro52_Gly53dup), but otherwise preserves the integrity of the reading frame. This variant is present in population databases (no rsID available, gnomAD 0.01%). This variant has not been reported in the literature in individuals affected with WFS1-related conditions. In summary, the available evidence is currently insufficient to determine the role of this variant in disease. Therefore, it has been classified as a Variant of Uncertain Significance.

NM_006005.3(WFS1):c.147CCCTGG[3] (p.Gly53_Val54insProGly)

Gene: WFS1 (wolframin ER transmembrane glycoprotein; plus strand). Cytogenetic location: 4p16.1.
Variant type: Microsatellite.
Coding change: c.147CCCTGG[3] on transcript NM_006005.3 (MANE Select); three copies in a row of the 6-base unit CCCTGG starting at c.147; the reference has two copies in a row; one copy, 6 bases duplicated; also written c.153_158dup.
Protein change: p.Gly53_Val54insProGly.
Molecular consequence: inframe insertion.
Genome position (GRCh38, 1-based): chr4:6,277,608-6,277,613, CCCTGG duplicated; duplicating any 6 consecutive bases within chr4:6,277,598-6,277,613 gives the same sequence; the position shown is the placement nearest the transcript's 3' end. VCF-style (leftmost placement, unchanged base first): chr4-6277597-G-GCTGGCC. GRCh37 (hg19) VCF-style: chr4-6279324-G-GCTGGCC.
Other names: c.147CCCTGG[3], p.Gly53_Val54insProGly (NM_001145853.1); c.153_158dup (NM_006005.3).
Identifiers: ClinVar variation 2893206 (VCV002893206.4), dbSNP rs1251402263, ClinGen allele CA549707948.